The following is an entry in ClinVar:

ClinVar aggregate classification (germline): Uncertain significance (1 of 4 stars; one submission).

Submission:

GeneDx
Classification: Uncertain significance. Last evaluated: 2024-10-01. Review status: criteria provided, single submitter. Criteria: GeneDx Variant Classification Process June 2021. Collection method: clinical testing. Allele origin: germline. Affected: yes.
Comment: Not observed at significant frequency in large population cohorts (gnomAD); Frameshift variant predicted to result in protein truncation or nonsense mediated decay in a gene or region of a gene for which loss of function is not a well-established mechanism of disease; Has not been previously published as pathogenic or benign to our knowledge

NM_007052.5(NOX1):c.859del (p.Arg287fs)

Gene: NOX1 (NADPH oxidase 1; minus strand). Cytogenetic location: Xq22.1.
Variant type: Deletion.
Coding change: c.859del on transcript NM_007052.5 (MANE Select); coding-DNA position 859, one base deleted (C; older notation c.859delC).
Protein change: p.Arg287fs; shifts the reading frame from arginine 287.
Molecular consequence: frameshift variant.
Genome position (GRCh38, 1-based): chrX:100,851,271, G deleted on the plus strand (C on the coding strand, the reverse complement: NOX1 is on the minus strand); the first of 2 consecutive G bases (chrX:100,851,271-100,851,272); deleting either gives the same sequence. VCF-style (leftmost placement, unchanged base first): chrX-100851270-CG-C. GRCh37 (hg19) VCF-style: chrX-100106259-CG-C.
Other names: c.748del, p.Arg250fs (NM_001271815.2); c.859del, p.Arg287fs (NM_013955.3); short protein forms R250fs, R287fs.
Identifiers: ClinVar variation 3776626 (VCV003776626.1).